The following continues an entry in ClinVar:

NM_000478.6(ALPL):c.1001G>A (p.Gly334Asp)

Gene: ALPL. ClinVar aggregate classification (germline): Pathogenic/Likely pathogenic. Pathogenic (12); Likely pathogenic (1).

Submissions 14 to 18 of 18:

PreventionGenetics, part of Exact Sciences
Classification: Pathogenic for ALPL-related condition. Last evaluated: 2024-05-14. Review status: no assertion criteria provided. Collection method: clinical testing. Allele origin: germline. Not counted in ClinVar's aggregate classification.
Comment: The ALPL c.1001G>A variant is predicted to result in the amino acid substitution p.Gly334Asp. This variant is a common pathogenic variant in the Canadian Mennonite population and has been reported in several Mennonite patients with hypophosphatasia (HPP) (Greenberg et al. 1993. PubMed ID: 8406453, reported as p.Gly317Asp). This variant has also been reported in the homozygous or compound heterozygous state in several other unrelated patients with HPP (Orimo et al. 2002. PubMed ID: 12638946; Mornet et al. 1998. PubMed ID: 9781036; Hofmann et al. 2014. PubMed ID: 24569605). Functional studies support its pathogenicity (Fauvert et al. 2009. PubMed ID: 19500388; Hofmann et al. 2014. PubMed ID: 24569605; Del Angel et al. 2020. PubMed ID: 32160374). A different substitution (Gly334Arg), affecting the same amino acid residue, was reported in a patient with mild HPP (Fauvert et al. 2009. PubMed ID: 19500388). This variant has not been reported in a large population database, indicating this variant is rare. This variant is interpreted as pathogenic.

Bioscientia Institut fuer Medizinische Diagnostik GmbH, Sonic Healthcare
Classification: Pathogenic for Adult hypophosphatasia. Last evaluated: 2018-12-12. Review status: no assertion criteria provided. Collection method: clinical testing. Allele origin: germline. Affected: yes. Not counted in ClinVar's aggregate classification.

Counsyl
Classification: Likely pathogenic for Infantile hypophosphatasia. Last evaluated: 2015-11-23. Review status: no assertion criteria provided. Collection method: clinical testing. Allele origin: unknown. Not counted in ClinVar's aggregate classification.

OMIM
Classification: Pathogenic for HYPOPHOSPHATASIA, INFANTILE. Last evaluated: 1993-07-01. Review status: no assertion criteria provided. Collection method: literature only. Allele origin: germline. Not counted in ClinVar's aggregate classification.

GeneReviews
No classification provided. Condition: Hypophosphatasia. Review status: no classification provided. Collection method: literature only. Allele origin: germline. Affected: yes. Not counted in ClinVar's aggregate classification.

Literature cited by the submitters: PubMed 12638946 (cited by Myriad Genetics, Inc. and Counsyl); PubMed 15694177 (cited by Myriad Genetics, Inc. and Counsyl); PubMed 18769927 (cited by Myriad Genetics, Inc. and Counsyl); PubMed 19500388 (cited by 5 submitters); PubMed 22397652 (cited by Myriad Genetics, Inc. and Counsyl); PubMed 24569605 (cited by 5 submitters); PubMed 31152801 (cited by Myriad Genetics, Inc.); PubMed 32160374 (cited by 4 submitters); PubMed 8406453 (cited by 6 submitters); PubMed 9618260 (cited by 3 submitters); PubMed 9781036 (cited by Myriad Genetics, Inc. and Counsyl); PubMed 33101980 (cited by Genomenon, Inc and Rare Kidney Stone Consortium and the Mayo Clinic Hyperoxaluria Center, Mayo Clinic); PubMed 23580367 (cited by Genomenon, Inc); PubMed 32811521 (cited by Genomenon, Inc); PubMed 30719581 (cited by Genomenon, Inc); PubMed 32973344 (cited by Genomenon, Inc); PubMed 18925618 (cited by Genomenon, Inc and Natera, Inc.); PubMed 10636450 (cited by 3 submitters); PubMed 38702915 (cited by Rare Kidney Stone Consortium and the Mayo Clinic Hyperoxaluria Center, Mayo Clinic); PubMed 38884565 (cited by Rare Kidney Stone Consortium and the Mayo Clinic Hyperoxaluria Center, Mayo Clinic); PubMed 36152425 (cited by Rare Kidney Stone Consortium and the Mayo Clinic Hyperoxaluria Center, Mayo Clinic); PubMed 36097602 (cited by Rare Kidney Stone Consortium and the Mayo Clinic Hyperoxaluria Center, Mayo Clinic); PubMed 34627339 (cited by Rare Kidney Stone Consortium and the Mayo Clinic Hyperoxaluria Center, Mayo Clinic); PubMed 34633109 (cited by Rare Kidney Stone Consortium and the Mayo Clinic Hyperoxaluria Center, Mayo Clinic); PubMed 34805638 (cited by Rare Kidney Stone Consortium and the Mayo Clinic Hyperoxaluria Center, Mayo Clinic); NCBI Bookshelf NBK1150 (cited by GeneReviews).